The following is an entry in ClinVar:

ClinVar aggregate classification (germline): Pathogenic. Review status: criteria provided, multiple submitters, no conflicts (2 of 4 stars). 17 submissions from 16 submitters: Pathogenic (14). 3 of the submissions do not count toward it. Last evaluated 2026-01-12.

Conditions:
CASR-related disorder. Also called: CASR-related condition.
Autosomal dominant hypocalcemia 1 (HYPOC1). Also called: HYPOCALCEMIA, FAMILIAL. Identifiers: MedGen C3715128, MONDO:0011013, OMIM 601198.
Familial hypocalciuric hypercalcemia (FHH). Also called: Familial benign hypercalcemia. Identifiers: Orphanet 405, MedGen C1809471, MONDO:0018458.
Epilepsy, idiopathic generalized, susceptibility to, 8. Identifiers: MedGen C2752062, MONDO:0013032, OMIM 612899.
Neonatal severe primary hyperparathyroidism. Identifiers: Orphanet 417, MedGen C1832615, MONDO:0009397, OMIM 239200.
Familial hypocalciuric hypercalcemia 1. Also called: Hypercalcemia, familial benign type 1. Identifiers: Orphanet 405, Orphanet 93372, MedGen C0342637, MONDO:0007791, OMIM 145980.

Allele frequency attached by ClinVar (database versions not stated): gnomAD exomes below 0.00001.
gnomAD v4.1: 1 of 1,614,106 alleles (0.000062%); highest among the groups gnomAD compares: Non-Finnish European, 0.000085%; no homozygotes.

Submissions 1 to 10 of 17:

Labcorp Genetics (formerly Invitae), Labcorp
Classification: Pathogenic for Familial hypocalciuric hypercalcemia; Autosomal dominant hypocalcemia 1. Last evaluated: 2026-01-12. Review status: criteria provided, single submitter. Criteria: Invitae Variant Classification Sherloc (09022015). Collection method: clinical testing. Allele origin: germline.
Comment: This sequence change replaces arginine, which is basic and polar, with glutamine, which is neutral and polar, at codon 185 of the CASR protein (p.Arg185Gln). This variant is not present in population databases (gnomAD no frequency). This missense change has been observed in individual(s) with familial hypocalciuric hypercalcemia or severe neonatal hyperparathyroidism (PMID: 7916660, 9011580, 18751724, 21289269, 22422767, 24203066, 25091521, 26161261). It has also been observed to segregate with disease in related individuals. Invitae Evidence Modeling of clinical and family history, age, sex, and reported ancestry of multiple individuals with this CASR variant has been performed. This variant is expected to be pathogenic with a positive predictive value of at least 99%. This is a validated machine learning model that incorporates the clinical features of 646,172 individuals referred to our laboratory for CASR testing. This variant is also known as p.Arg186Glu. ClinVar contains an entry for this variant (Variation ID: 8314). An algorithm developed to predict the effect of missense changes on protein structure and function (PolyPhen-2) suggests that this variant is likely to be disruptive. Experimental studies have shown that this missense change affects CASR function (PMID: 12095982, 12114500, 17284438, 19759318, 22798347, 25091521). For these reasons, this variant has been classified as Pathogenic.

Mayo Clinic Laboratories, Mayo Clinic
Classification: Pathogenic. Last evaluated: 2023-03-27. Review status: criteria provided, single submitter. Criteria: ACMG Guidelines, 2015. Collection method: clinical testing. Allele origin: germline. Observed: 2 variant alleles.
Comment: PP1, PP2, PP3, PM2_supporting, PM6, PS3, PS4

Fulgent Genetics
Classification: Pathogenic for Familial hypocalciuric hypercalcemia 1; Neonatal severe primary hyperparathyroidism; Autosomal dominant hypocalcemia 1; Epilepsy, idiopathic generalized, susceptibility to, 8. Last evaluated: 2022-05-09. Review status: criteria provided, single submitter. Criteria: ACMG Guidelines, 2015. Collection method: clinical testing. Allele origin: unknown.

Baylor Genetics
Classification: Pathogenic for Familial hypocalciuric hypercalcemia 1. Last evaluated: 2022-03-23. Review status: criteria provided, single submitter. Criteria: ACMG Guidelines, 2015. Collection method: clinical testing. Allele origin: unknown.

Women's Health and Genetics/Laboratory Corporation of America, LabCorp
Classification: Pathogenic for Familial hypocalciuric hypercalcemia. Last evaluated: 2021-12-17. Review status: criteria provided, single submitter. Criteria: LabCorp Variant Classification Summary - May 2015. Collection method: clinical testing. Allele origin: germline.
Comment: Variant summary: CASR c.554G>A (p.Arg185Gln) results in a conservative amino acid change located in the Receptor, ligand binding region. (IPR001828) of the encoded protein sequence. Four of five in-silico tools predict a damaging effect of the variant on protein function. The variant was absent in 251556 control chromosomes. c.554G>A has been reported in the literature in multiple individuals affected with Neonatal Severe Hyperparathyroidism (NSHPT) and/or Familial Hypocalciuric Hypercalcemia (FHH) (example, Obermannova_2009, Pollak_1993, Heath_1996, Bai_1997). These data indicate that the variant is very likely to be associated with disease. At least one publication reports experimental evidence evaluating an impact on protein function. The most pronounced variant effect results in a significantly higher EC50 in response to calcium agonists (example divalent calcium and trivalent cations such as Gadolimium) in addition to a dominant negative effect when co-expressed with wild-type CASR indicating that the primary abnormality in receptor function is in ligand binding (example Bai_1997). Six clinical diagnostic laboratories have submitted clinical-significance assessments for this variant to ClinVar after 2014 without evidence for independent evaluation. All laboratories classified the variant as pathogenic. Based on the evidence outlined above, the variant was classified as pathogenic.

Illumina Laboratory Services, Illumina
Classification: Pathogenic for Familial hypocalciuric hypercalcemia 1. Last evaluated: 2021-12-10. Review status: criteria provided, single submitter. Criteria: ICSLVariantClassificationCriteria RUGD 01 April 2020. Collection method: clinical testing. Allele origin: unknown.
Comment: The CASR c.554G>A (p.Arg185Gln) missense variant results in the substitution of glutamine for arginine at amino acid position 185. Across a selection of the available literature, this variant has been reported in a heterozygous state in at least seven unrelated individuals with neonatal severe hyperparathyroidism (Bai et al. 1997; Obermannova et al. 2009; Reh et al. 2011; Gannon et al. 2014; Fisher et al. 2015; Glaudo et al. 2016). In two cases, the c.554G>A variant was presumed or confirmed de novo. The variant was also reported in a heterozygous state in a patient's father, who had elevated serum calcium. In addition, at least 14 individuals with the same variant were diagnosed with a familial hypocalciuric hypercalcemia phenotype and no neonatal symptoms (Glaudo et al. 2016). This variant is not found in version 2.1.1 or version 3.1.2 of the Genome Aggregation Database. When expressed in HEK293 cells, the c.554G>A variant has been shown to disrupt trafficking to the plasma membrane (White et al. 2009) and to disrupts the receptor's calcium signaling when expressed alone or in conjunction with the wildtype receptor (Bai et al. 1997; Glaudo et al. 2016). This variant is located in the extracellular domain, and three-dimensional modeling indicates it clusters with other variants in a cleft that contains a calcium binding site (Hanan et al. 2012). This variant was identified in a de novo state. Based on the available evidence, the c.554G>A (p.Arg185Gln) variant is classified as pathogenic for familial hypocalciuric hypercalcemia.

Revvity Omics, Revvity
Classification: Pathogenic. Last evaluated: 2021-02-24. Review status: criteria provided, single submitter. Criteria: ACMG Guidelines, 2015. Collection method: clinical testing. Allele origin: germline.

Athena Diagnostics
Classification: Pathogenic. Last evaluated: 2020-09-29. Review status: criteria provided, single submitter. Criteria: Athena Diagnostics criteria. Collection method: clinical testing. Allele origin: unknown.
Comment: This variant has not been reported in large, multi-ethnic general populations. This variant has been reported both in individuals with familial hypocalciuric hypercalcemia and those with neonatal hyperparathyroidism. This variant appears to occur de novo in multiple individuals with clinical features associated with this gene (PMID: 9011580, 21289269, 25091521). Assessment of experimental evidence suggests this variant results in abnormal protein function. Experiments show this variant results in an attenuated response to calcium ion with an exerted dominant-negative effect on the wild-type receptor (PMID: 8702647, 22798347, 29848507, 19389809, 19759318, 17284438). Computational tools predict that this variant is damaging.

Blueprint Genetics
Classification: Pathogenic for CASR-related disorders. Last evaluated: 2020-04-06. Review status: criteria provided, single submitter. Criteria: ACMG Guidelines, 2015. Collection method: clinical testing. Allele origin: germline. Affected: yes. Observed: 1 variant allele.

Victorian Clinical Genetics Services, Murdoch Childrens Research Institute
Classification: Pathogenic for Familial hypocalciuric hypercalcemia 1. Last evaluated: 2019-02-04. Review status: criteria provided, single submitter. Criteria: ACMG Guidelines, 2015. Collection method: clinical testing. Allele origin: unknown. Affected: yes.
Comment: A heterozygous missense variant, NM_000388.3(CASR):c.554G>A, has been identified in exon 4 of 7 of the CASR gene. The variant is predicted to result in a minor amino acid change from arginine to glutamine at position 185 of the protein (NP_000379.2(CASR):p.(Arg185Gln)). The arginine at this position has very high conservation (100 vertebrates, UCSC), and is located within the ligand-binding functional domain. In silico predictions for this variant are consistently pathogenic (Polyphen, SIFT, CADD, Mutation Taster). The variant is absent in population databases (gnomAD, dbSNP, 1000G). The variant has been previously described as pathogenic in multiple patients (ClinVar). Additionally, studies showed altered protein function (Bai, M. et al., 1996; Glaudo, M. et al., 2016). Based on the information available at the time of curation, this variant has been classified as PATHOGENIC.

NM_000388.4(CASR):c.554G>A (p.Arg185Gln)

Gene: CASR (calcium sensing receptor; plus strand). Cytogenetic location: 3q21.1.
Variant type: single nucleotide variant.
Coding change: c.554G>A on transcript NM_000388.4 (MANE Select); coding-DNA position 554, G replaced by A.
Protein change: p.Arg185Gln; replaces arginine 185 with glutamine.
Molecular consequence: missense variant.
Genome position (GRCh38, 1-based): chr3:122,261,589, G>A. VCF-style: chr3-122261589-G-A. GRCh37 (hg19) VCF-style: chr3-121980436-G-A.
Other names: c.554G>A, p.Arg185Gln (NM_001178065.2); c.554G>A (NM_001178065.1); short protein forms R185Q.
Identifiers: ClinVar variation 8314 (VCV000008314.35), dbSNP rs104893689, ClinGen allele CA119471.